The following is an entry in ClinVar:

ClinVar aggregate classification (germline): Uncertain significance. Review status: criteria provided, multiple submitters, no conflicts (2 of 4 stars). 2 submissions from 2 submitters: Uncertain significance (2). Last evaluated 2023-01-01.

Conditions:
Hereditary cancer-predisposing syndrome. Also called: Neoplastic Syndromes, Hereditary; Hereditary Cancer Syndrome; Tumor predisposition; Hereditary neoplastic syndrome. Identifiers: Orphanet 140162, MedGen C0027672, MeSH D009386, MONDO:0015356.
Haddad syndrome (OHD). Also called: Ondine-Hirschsprung disease. Identifiers: Orphanet 99803, MedGen C1859049, MONDO:0020493.

gnomAD v4.1: 1 of 1,613,942 alleles (0.000062%); highest among the groups gnomAD compares: Non-Finnish European, 0.000085%; no homozygotes.

Submissions (2):

Ambry Genetics
Classification: Uncertain significance for Hereditary cancer-predisposing syndrome. Last evaluated: 2023-01-01. Review status: criteria provided, single submitter. Criteria: Ambry Variant Classification Scheme 2023. Collection method: clinical testing. Allele origin: germline.
Comment: The p.G170C variant (also known as c.508G>T), located in coding exon 3 of the PHOX2B gene, results from a G to T substitution at nucleotide position 508. The glycine at codon 170 is replaced by cysteine, an amino acid with highly dissimilar properties. This amino acid position is conserved. In addition, the in silico prediction for this alteration is inconclusive. Since supporting evidence is limited at this time, the clinical significance of this alteration remains unclear.

Labcorp Genetics (formerly Invitae), Labcorp
Classification: Uncertain significance for Haddad syndrome. Last evaluated: 2022-03-20. Review status: criteria provided, single submitter. Criteria: Invitae Variant Classification Sherloc (09022015). Collection method: clinical testing. Allele origin: germline.
Comment: In summary, the available evidence is currently insufficient to determine the role of this variant in disease. Therefore, it has been classified as a Variant of Uncertain Significance. Algorithms developed to predict the effect of missense changes on protein structure and function are either unavailable or do not agree on the potential impact of this missense change (SIFT: "Deleterious"; PolyPhen-2: "Not Available"; Align-GVGD: "Class C25"). This variant has not been reported in the literature in individuals affected with PHOX2B-related conditions. This variant is not present in population databases (gnomAD no frequency). This sequence change replaces glycine, which is neutral and non-polar, with cysteine, which is neutral and slightly polar, at codon 170 of the PHOX2B protein (p.Gly170Cys).

NM_003924.4(PHOX2B):c.508G>T (p.Gly170Cys)

Gene: PHOX2B (paired like homeobox 2B; minus strand). Cytogenetic location: 4p13.
Variant type: single nucleotide variant.
Coding change: c.508G>T on transcript NM_003924.4 (MANE Select); coding-DNA position 508, G replaced by T.
Protein change: p.Gly170Cys; replaces glycine 170 with cysteine.
Molecular consequence: missense variant.
Genome position (GRCh38, 1-based): chr4:41,746,244, C>A on the plus strand (G>T on the coding strand, the complement: PHOX2B is on the minus strand). VCF-style: chr4-41746244-C-A. GRCh37 (hg19) VCF-style: chr4-41748261-C-A.
Other names: c.508G>T (NM_003924.3); short protein forms G170C.
Identifiers: ClinVar variation 1376560 (VCV001376560.7), dbSNP rs775931264, ClinGen allele CA356738439.
Genomic context (GRCh38, chr4:41,746,244, plus strand): 5'-TGCTCTTGGCCTCTTTGCTCTCGTCGTCCCTGGAAGAGTCAGACTTTTTGCCCGAGGAGC[C>A]GTTCTTGGCCGCGGCCGCTGCGGCTGCCGCTGCGCGCTCCTGCTTGCGAAACTTGGCGCG-3'
Protein context (NP_003915.2, residues 160-180): AAAAAAAAKN[Gly170Cys]SSGKKSDSSR